The following is an entry in ClinVar:

NM_001349253.2(SCN11A):c.2403+6T>C

Gene: SCN11A (sodium voltage-gated channel alpha subunit 11; minus strand). Cytogenetic location: 3p22.2.
Variant type: single nucleotide variant.
Coding change: c.2403+6T>C on transcript NM_001349253.2 (MANE Select); 6 bases into the intron after coding-DNA position 2403, T replaced by C.
Molecular consequence: intron variant.
Genome position (GRCh38, 1-based): chr3:38,896,839, A>G on the plus strand (T>C on the coding strand, the complement: SCN11A is on the minus strand). VCF-style: chr3-38896839-A-G. GRCh37 (hg19) VCF-style: chr3-38938330-A-G.
Other names: c.2403+6T>C (NM_014139.3).
Identifiers: ClinVar variation 2107573 (VCV002107573.4), dbSNP rs2470565830, ClinGen allele CA2580069791.

ClinVar aggregate classification (germline): Uncertain significance (1 of 4 stars; one submission).

Conditions:
Hereditary sensory and autonomic neuropathy type 7. Also called: Neuropathy, hereditary sensory and autonomic, type VII; HSAN VII. Identifiers: Orphanet 391397, MedGen C3809882, MONDO:0014244, OMIM 615548.
Familial episodic pain syndrome with predominantly lower limb involvement. Also called: Episodic pain syndrome, familial, 3. Identifiers: Orphanet 391384, Orphanet 391392, MedGen C3809899, MONDO:0014247, OMIM 615552.

gnomAD v4.1: 1 of 1,497,782 alleles (0.000067%); highest among the groups gnomAD compares: Non-Finnish European, 0.000089%; no homozygotes.

Submission:

Labcorp Genetics (formerly Invitae), Labcorp
Classification: Uncertain significance for Familial episodic pain syndrome with predominantly lower limb involvement; Hereditary sensory and autonomic neuropathy type 7. Last evaluated: 2022-03-08. Review status: criteria provided, single submitter. Criteria: Invitae Variant Classification Sherloc (09022015). Collection method: clinical testing. Allele origin: germline.
Comment: In summary, the available evidence is currently insufficient to determine the role of this variant in disease. Therefore, it has been classified as a Variant of Uncertain Significance. Variants that disrupt the consensus splice site are a relatively common cause of aberrant splicing (PMID: 17576681, 9536098). Algorithms developed to predict the effect of sequence changes on RNA splicing suggest that this variant may disrupt the consensus splice site. This variant has not been reported in the literature in individuals affected with SCN11A-related conditions. This variant is not present in population databases (gnomAD no frequency). This sequence change falls in intron 14 of the SCN11A gene. It does not directly change the encoded amino acid sequence of the SCN11A protein. It affects a nucleotide within the consensus splice site.

Literature cited by the submitters: PubMed 17576681; PubMed 9536098.